The following is an entry in ClinVar:

ClinVar aggregate classification (germline): Likely benign. Review status: criteria provided, multiple submitters, no conflicts (2 of 4 stars). 3 submissions from 3 submitters: Likely benign (2). 1 of the submissions does not count toward it. Last evaluated 2026-09-01.

Conditions:
KDM6B-related disorder. Also called: KDM6B-related condition.
Inborn genetic diseases. Identifiers: MedGen C0950123, MeSH D030342.

Allele frequency attached by ClinVar (database versions not stated): 1000 Genomes Project 30x 0.00016; 1000 Genomes Project 0.00020; gnomAD 0.00042; TOPMed 0.00053; ExAC 0.00054.
gnomAD v4.1: 987 of 1,599,874 alleles (0.062%); highest among the groups gnomAD compares: Admixed American, 0.15%; 1 homozygote.

Submissions (3):

CeGaT Center for Human Genetics Tuebingen
Classification: Likely benign. Last evaluated: 2026-09-01. Review status: criteria provided, single submitter. Criteria: CeGaT Center For Human Genetics Tuebingen Variant Classification Criteria Version 2. Collection method: clinical testing. Allele origin: germline. Affected: yes. Observed: 6 variant alleles.
Comment: KDM6B: BS1

Ambry Genetics
Classification: Likely benign for Inborn genetic diseases. Last evaluated: 2021-11-11. Review status: criteria provided, single submitter. Criteria: Ambry Variant Classification Scheme 2023. Collection method: clinical testing. Allele origin: germline.

PreventionGenetics, part of Exact Sciences
Classification: Likely benign for KDM6B-related condition. Last evaluated: 2023-05-16. Review status: no assertion criteria provided. Collection method: clinical testing. Allele origin: germline. Not counted in ClinVar's aggregate classification.
Comment: This variant is classified as likely benign based on ACMG/AMP sequence variant interpretation guidelines (Richards et al. 2015 PMID: 25741868, with internal and published modifications).

NM_001348716.2(KDM6B):c.2726C>A (p.Ser909Tyr)

Gene: KDM6B (lysine demethylase 6B; plus strand). Cytogenetic location: 17p13.1.
Variant type: single nucleotide variant.
Coding change: c.2726C>A on transcript NM_001348716.2 (MANE Select); coding-DNA position 2726, C replaced by A.
Protein change: p.Ser909Tyr; replaces serine 909 with tyrosine.
Molecular consequence: missense variant.
Genome position (GRCh38, 1-based): chr17:7,849,014, C>A. VCF-style: chr17-7849014-C-A. GRCh37 (hg19) VCF-style: chr17-7752332-C-A.
Other names: c.2726C>A, p.Ser909Tyr (NM_001080424.2); short protein forms S909Y.
Identifiers: ClinVar variation 2259076 (VCV002259076.17), dbSNP rs140903569, ClinGen allele CA8360990.